The following is an entry in ClinVar:

ClinVar aggregate classification (germline): Uncertain significance (1 of 4 stars; one submission).

Conditions:
Tuberous sclerosis 2 (TSC2). Identifiers: Orphanet 805, MedGen C1860707, MONDO:0013199, OMIM 613254.

Submission:

Labcorp Genetics (formerly Invitae), Labcorp
Classification: Uncertain significance for Tuberous sclerosis 2. Last evaluated: 2023-07-20. Review status: criteria provided, single submitter. Criteria: Invitae Variant Classification Sherloc (09022015). Collection method: clinical testing. Allele origin: germline.
Comment: This sequence change replaces alanine, which is neutral and non-polar, with glutamic acid, which is acidic and polar, at codon 289 of the TSC2 protein (p.Ala289Glu). This variant is not present in population databases (gnomAD no frequency). This variant has not been reported in the literature in individuals affected with TSC2-related conditions. Advanced modeling of protein sequence and biophysical properties (such as structural, functional, and spatial information, amino acid conservation, physicochemical variation, residue mobility, and thermodynamic stability) performed at Invitae indicates that this missense variant is not expected to disrupt TSC2 protein function. In summary, the available evidence is currently insufficient to determine the role of this variant in disease. Therefore, it has been classified as a Variant of Uncertain Significance.

NM_000548.5(TSC2):c.866C>A (p.Ala289Glu)

Gene: TSC2 (TSC complex subunit 2; plus strand). Cytogenetic location: 16p13.3.
Variant type: single nucleotide variant.
Coding change: c.866C>A on transcript NM_000548.5 (MANE Select); coding-DNA position 866, C replaced by A.
Protein change: p.Ala289Glu; replaces alanine 289 with glutamic acid.
Molecular consequence: missense variant. On other transcripts: 5 prime UTR variant (10), non-coding transcript variant (5).
Genome position (GRCh38, 1-based): chr16:2,058,764, C>A. VCF-style: chr16-2058764-C-A. GRCh37 (hg19) VCF-style: chr16-2108765-C-A.
Other names: c.866C>A, p.Ala289Glu (NM_001077183.3, NM_001114382.3, NM_001363528.2 and 6 more transcripts); c.755C>A, p.Ala252Glu (NM_001318827.2, NM_001406670.1, NM_001406678.1); c.719C>A, p.Ala240Glu (NM_001318829.2, NM_001406675.1, NM_001406676.1 and 1 more transcripts); c.266C>A, p.Ala89Glu (NM_001318831.2, NM_001406680.1, NM_001406682.1 and 6 more transcripts); c.899C>A, p.Ala300Glu (NM_001318832.2); c.956C>A, p.Ala319Glu (NM_001406667.1, NM_001406668.1); c.854C>A, p.Ala285Glu (NM_001406671.1, NM_001406673.1); c.809C>A, p.Ala270Glu (NM_001406677.1); and 4 more; short protein forms A135E, A300E, A319E, A270E, A285E, A289E, A89E, A240E.
Identifiers: ClinVar variation 2745522 (VCV002745522.3), dbSNP rs755631210, ClinGen allele CA394315023.